The following is an entry in ClinVar:

ClinVar aggregate classification (germline): Likely pathogenic (1 of 4 stars; one submission).

Conditions:
Cardiovascular phenotype. Identifiers: MedGen CN230736.

Submission:

Ambry Genetics
Classification: Likely pathogenic for Cardiovascular phenotype. Last evaluated: 2023-01-26. Review status: criteria provided, single submitter. Criteria: Ambry Variant Classification Scheme 2023. Collection method: clinical testing. Allele origin: germline.
Comment: The c.38864_38865delTT variant, located in coding exon 141 of the TTN gene, results from a deletion of two nucleotides at nucleotide positions 38864 to 38865, causing a translational frameshift with a predicted alternate stop codon (p.L12955Hfs*5). This exon is located in the A-band region of the N2-B isoform of the titin protein and is constitutively expressed in TTN transcripts (percent spliced in or PSI 100%). This variant is considered to be rare based on population cohorts in the Genome Aggregation Database (gnomAD). This alteration is expected to result in loss of function by premature protein truncation or nonsense-mediated mRNA decay. While truncating variants in TTN are present in 1-3% of the general population, truncating variants in the A-band are the most common cause of dilated cardiomyopathy (DCM) (Herman DS et al. N. Engl. J. Med., 2012 Feb;366:619-28; Roberts AM et al. Sci Transl Med, 2015 Jan;7:270ra6). TTN truncating variants encoded in constitutive exons (PSI >90%) have been found to be significantly associated with DCM regardless of their position in titin (Schafer S et al. Nat. Genet., 2017 01;49:46-53). Based on the majority of available evidence to date, this variant is likely to be pathogenic.

NM_001267550.2(TTN):c.66059_66060del (p.Leu22020fs)

Genes: TTN (titin; minus strand), TTN-AS1 (TTN antisense RNA 1; plus strand). Cytogenetic location: 2q31.2.
Variant type: Deletion.
Coding change: c.66059_66060del on transcript NM_001267550.2 (MANE Select); coding-DNA positions 66059 to 66060, 2 bases deleted (TT; older notation c.66059_66060delTT).
Protein change: p.Leu22020fs; shifts the reading frame from leucine 22020.
Molecular consequence: frameshift variant.
Genome position (GRCh38, 1-based): chr2:178,582,396-178,582,397, AA deleted on the plus strand (TT on the coding strand, the reverse complement: TTN is on the minus strand). VCF-style (leftmost placement, unchanged base first): chr2-178582395-TAA-T. GRCh37 (hg19) VCF-style: chr2-179447122-TAA-T.
Other names: c.38864_38865delTT (NM_003319.4); c.61136_61137del, p.Leu20379fs (NM_001256850.1); c.38864_38865del, p.Leu12955fs (NM_003319.4); c.58355_58356del, p.Leu19452fs (NM_133378.4); c.39239_39240del, p.Leu13080fs (NM_133432.3); c.39440_39441del, p.Leu13147fs (NM_133437.4); short protein forms L12955fs, L13147fs, L22020fs, L13080fs, L19452fs, L20379fs.
Identifiers: ClinVar variation 2451909 (VCV002451909.2), dbSNP rs2469025786, ClinGen allele CA2580064756.